The following is an entry in ClinVar:

ClinVar aggregate classification (germline): Pathogenic/Likely pathogenic. Review status: criteria provided, multiple submitters, no conflicts (2 of 4 stars). 17 submissions from 17 submitters: Pathogenic (7); Likely pathogenic (9). 1 of the submissions does not count toward it. Last evaluated 2026-08-18.

Conditions:
Wolfram syndrome 1 (WFS1). Identifiers: Orphanet 3463, MedGen C4551693, MONDO:0009101, OMIM 222300.
Wolfram-like syndrome. Also called: HEARING LOSS, PROGRESSIVE, WITH OPTIC ATROPHY AND/OR IMPAIRED GLUCOSE REGULATION. Identifiers: Orphanet 411590, MedGen C3280358, MONDO:0013673, OMIM 614296.
WFS1-related disorder. Identifiers: MedGen CN379391, MONDO:0700293.
Inborn genetic diseases. Identifiers: MedGen C0950123, MeSH D030342.
Cataract 41 (CTRCT41). Also called: CATARACT 41, CONGENITAL NUCLEAR TYPE. Identifiers: Orphanet 91492, Orphanet 98991, Orphanet 98992, Orphanet 98995, MedGen C3805412, MONDO:0007287, OMIM 116400.
Autosomal dominant nonsyndromic hearing loss 6 (LFSNHL). Also called: Autosomal dominant nonsyndromic deafness 6; DEAFNESS, AUTOSOMAL DOMINANT 6; DEAFNESS, AUTOSOMAL DOMINANT 14; DEAFNESS, AUTOSOMAL DOMINANT 38. Identifiers: Orphanet 90635, MedGen C1833021, MONDO:0010963, OMIM 600965.
Type 2 diabetes mellitus. Also called: Type II diabetes mellitus. Identifiers: MedGen C0011860, MeSH D003924, MONDO:0005148, OMIM 125853, HP:0005978.
Meniere disease. Also called: Ménière's disease. Identifiers: MedGen C0025281, MONDO:0007972, OMIM 156000.

Allele frequency attached by ClinVar (database versions not stated): gnomAD exomes 0.00009; TOPMed 0.00010; gnomAD 0.00013; ESP Exome Variant Server 0.00016; ExAC 0.00017.
gnomAD v4.1: 107 of 1,583,790 alleles (0.0068%); highest among the groups gnomAD compares: Admixed American, 0.0089%; no homozygotes.

Submissions 1 to 10 of 17:

GeneDx
Classification: Likely pathogenic. Last evaluated: 2026-08-18. Review status: criteria provided, single submitter. Criteria: GeneDx Variant Classification Process June 2021. Collection method: clinical testing. Allele origin: germline.
Comment: Identified in the heterozygous state in a patient with chronic progressive external ophthalmoplegia in the published literature, however, familial segregation studies could not be performed, and authors indicate that the association of this variant with the patient's phenotype is uncertain (PMID: 31521625); Identified in the heterozygous state in a patient with intellectual disability and autism spectrum disorder, however segregation of this variant is unknown and the patient was not reported with other features of a WFS1-related disorder (PMID: 34356170); Identified in a study of type 2 diabetics and controls in the literature, however, no specific information was provided (PMID: 20028947); Nonsense variant predicted to result in protein truncation or nonsense mediated decay in a gene for which loss-of-function is a known mechanism of disease; This variant is associated with the following publications: (PMID: 34426522, 31980526, 33031055, 34556497, 35206658, 36294752, 36208030, 31521625, 34356170, 20028947, 39443691)

PreventionGenetics, part of Exact Sciences
Classification: Pathogenic for WFS1-related condition. Last evaluated: 2026-01-09. Review status: criteria provided, single submitter. Criteria: ACMG Guidelines, 2015. Collection method: clinical testing. Allele origin: germline.
Comment: The WFS1 c.124C>T variant is predicted to result in premature protein termination (p.Arg42*). This variant has been reported in the heterozygous state in an individual with adult-onset chronic progressive external ophthalmoplegia (Table S1, Heighton et al. 2019. PubMed ID: 31521625), in a study of patients with type 2 diabetes (Appendix Table 5, Fawcett et al. 2009. PubMed ID: 20028947), in an individual with intellectual disability and autism spectrum disorder (Valentino et al. 2021. PubMed ID: 34356170), and as an autosomal recessive variant in a large precision medicine study (supplemental, Hou et al. 2020. PubMed ID: 31980526). This variant is present in 0.017% of alleles in individuals of European (Non-Finnish) descent in gnomAD. Nonsense variants in WFS1 are an established mechanism of autosomal recessive disease. Given all the evidence, we interpret this variant as pathogenic.

Labcorp Genetics (formerly Invitae), Labcorp
Classification: Pathogenic. Last evaluated: 2025-10-14. Review status: criteria provided, single submitter. Criteria: Invitae Variant Classification Sherloc (09022015). Collection method: clinical testing. Allele origin: germline.
Comment: This sequence change creates a premature translational stop signal (p.Arg42*) in the WFS1 gene. It is expected to result in an absent or disrupted protein product. Loss-of-function variants in WFS1 are known to be pathogenic (PMID: 12955714). This variant is present in population databases (rs71530923, gnomAD 0.01%). This variant has not been observed in the literature in individuals with autosomal recessive WFS1-related conditions. This variant has been reported in individual(s) with clinical features of autosomal dominant Wolfram-like syndrome (PMID: 31521625); however, the role of the variant in this condition is currently unclear. ClinVar contains an entry for this variant (Variation ID: 189251). For these reasons, this variant has been classified as Pathogenic.

Variantyx, Inc.
Classification: Likely pathogenic for Wolfram syndrome 1. Last evaluated: 2025-07-08. Review status: criteria provided, single submitter. Criteria: Variantyx Assertion Criteria 2022. Collection method: clinical testing. Allele origin: germline. Inheritance: Autosomal recessive inheritance.
Comment: This is a nonsense variant in the WFS1 gene (OMIM: 606201). Pathogenic variants in this gene have been associated with autosomal recessive Wolfram syndrome 1. This variant introduces a premature termination codon in exon 2 out of 8 and is expected to result in loss of function, which is a known disease mechanism for WFS1 in this disorder (PVS1). This variant has been reported in the homozygous or compound heterozygous state in 3 affected individual(s) (PMID: 33031055, 35206658, 34556497) and has a 0.0089% maximum allele frequency in non-founder control populations (PM2). Based on the current evidence, this variant is classified as likely pathogenic for autosomal recessive Wolfram syndrome 1.

Revvity Omics, Revvity
Classification: Likely pathogenic. Last evaluated: 2025-05-28. Review status: criteria provided, single submitter. Criteria: ACMG Guidelines, 2015. Collection method: clinical testing. Allele origin: germline.

Blueprint Genetics
Classification: Likely pathogenic for WFS1-related disorders. Last evaluated: 2024-11-12. Review status: criteria provided, single submitter. Criteria: ACMG Guidelines, 2015. Collection method: clinical testing. Allele origin: germline. Affected: yes. Observed: 5 variant alleles.

Department of Pathology and Laboratory Medicine, Sinai Health System
Classification: Likely pathogenic for Cataract 41; Type 2 diabetes mellitus; Wolfram syndrome 1; Autosomal dominant nonsyndromic hearing loss 6; Wolfram-like syndrome. Last evaluated: 2023-08-08. Review status: criteria provided, single submitter. Criteria: ACMG Guidelines, 2015. Collection method: research. Allele origin: germline.

Women's Health and Genetics/Laboratory Corporation of America, LabCorp
Classification: Pathogenic for Wolfram syndrome 1. Last evaluated: 2023-05-22. Review status: criteria provided, single submitter. Criteria: LabCorp Variant Classification Summary - May 2015. Collection method: clinical testing. Allele origin: germline.
Comment: Variant summary: WFS1 c.124C>T (p.Arg42X) results in a premature termination codon, predicted to cause a truncation of the encoded protein or absence of the protein due to nonsense mediated decay, which are commonly known mechanisms for disease. The variant allele was found at a frequency of 9.3e-05 in 194514 control chromosomes (i.e., 18 heterozygous carriers; gnomAD). The available data on variant occurrences in the general population are insufficient to allow any conclusion about variant significance. c.124C>T has been reported in the literature in at least one compound heterozygous individual affected with atypical late-onset Wolfram syndrome 1 (WFS1) without diabetes insipidus (e.g., Rigoli_2022), suggesting the variant is likely to be associated with autosomal recessive WFS1. The variant was also found to segregate with a maturity-onset diabetes of the young phenotype in at least one family (e.g., Saint-Martin_2022). Additionally, c.124C>T has been reported in heterozygous individuals affected with early-onset diabetes (e.g., Huopio_2016), chronic progressive external ophthalmoplegia (e.g., Heighton_2019), and intellectual and psychiatric disorders (e.g., Rigoli_2022, Valentino_2021), without strong evidence for causality. However, the variant was also identified in many healthy controls (e.g., Fawcett_2010, Billings_2022). These findings therefore do not allow conclusions about the association of the variant with autosomal-dominant Wolfram-like syndrome. To our knowledge, no experimental evidence demonstrating an impact on protein function has been reported. The following publications have been ascertained in the context of this evaluation (PMID: 30245029, 36208030, 20028947, 31521625, 31980526, 27167055, 35206658, 34556497, 34356170). Nine ClinVar submitters (evaluation after 2014) have cited the variant and all submitters classified the variant as pathogenic (n = 4) or likely pathogenic (n = 5). Based on the evidence outlined above, the variant was classified as pathogenic for autosomal recessive WFS1.

CeGaT Center for Human Genetics Tuebingen
Classification: Pathogenic. Last evaluated: 2022-11-01. Review status: criteria provided, single submitter. Criteria: CeGaT Center For Human Genetics Tuebingen Variant Classification Criteria Version 2. Collection method: clinical testing. Allele origin: germline. Affected: yes. Observed: 2 variant alleles.

Fulgent Genetics
Classification: Pathogenic for Cataract 41; Type 2 diabetes mellitus; Wolfram syndrome 1; Autosomal dominant nonsyndromic hearing loss 6; Wolfram-like syndrome. Last evaluated: 2022-02-18. Review status: criteria provided, single submitter. Criteria: ACMG Guidelines, 2015. Collection method: clinical testing. Allele origin: unknown.

NM_006005.3(WFS1):c.124C>T (p.Arg42Ter)

Gene: WFS1 (wolframin ER transmembrane glycoprotein; plus strand). Cytogenetic location: 4p16.1.
Variant type: single nucleotide variant.
Coding change: c.124C>T on transcript NM_006005.3 (MANE Select); coding-DNA position 124, C replaced by T.
Protein change: p.Arg42Ter; replaces arginine 42 with a stop codon.
Molecular consequence: nonsense.
Genome position (GRCh38, 1-based): chr4:6,277,579, C>T. VCF-style: chr4-6277579-C-T. GRCh37 (hg19) VCF-style: chr4-6279306-C-T.
Other names: c.124C>T, p.Arg42Ter (NM_001145853.1); short protein forms R42*.
Identifiers: ClinVar variation 189251 (VCV000189251.68), dbSNP rs71530923, ClinGen allele CA274502.